The following is an entry in ClinVar:

NM_001267550.2(TTN):c.26744C>G (p.Ala8915Gly)

Gene: TTN (titin; minus strand). Cytogenetic location: 2q31.2.
Variant type: single nucleotide variant.
Coding change: c.26744C>G on transcript NM_001267550.2 (MANE Select); coding-DNA position 26744, C replaced by G.
Protein change: p.Ala8915Gly; replaces alanine 8915 with glycine.
Molecular consequence: missense variant. On other transcripts: intron variant (3).
Genome position (GRCh38, 1-based): chr2:178,713,914, G>C on the plus strand (C>G on the coding strand, the complement: TTN is on the minus strand). VCF-style: chr2-178713914-G-C. GRCh37 (hg19) VCF-style: chr2-179578641-G-C.
Other names: p.A8598G:GCT>GGT; c.13282+24168C>G (NM_003319.4); c.13858+24168C>G (NM_133437.4); c.13657+24168C>G (NM_133432.3); c.25793C>G, p.Ala8598Gly (NM_001256850.1); c.23012C>G, p.Ala7671Gly (NM_133378.4); short protein forms A8598G, A8915G, A7671G.
Identifiers: ClinVar variation 203348 (VCV000203348.24), dbSNP rs536974988, ClinGen allele CA312112.

ClinVar aggregate classification (germline): Conflicting classifications of pathogenicity. Review status: criteria provided, conflicting classifications (1 of 4 stars). 15 submissions from 11 submitters: Uncertain significance (14); Likely benign (1). Last evaluated 2026-08-25.

Conditions:
TTN-related disorder. Also called: TTN-related condition; TTN-related disease; TTN-related disorders.
Dilated cardiomyopathy 1G (CMD1G). Identifiers: Orphanet 154, MedGen C1858763, MONDO:0011400, OMIM 604145.
Autosomal recessive limb-girdle muscular dystrophy type 2J (LGMDR10). Also called: Limb-girdle muscular dystrophy, type 2J; MUSCULAR DYSTROPHY, LIMB-GIRDLE, AUTOSOMAL RECESSIVE 10. Identifiers: Orphanet 140922, MedGen C1837342, MONDO:0012127, OMIM 608807.
Early-onset myopathy with fatal cardiomyopathy (CMYO5). Also called: Salih Myopathy; CONGENITAL MYOPATHY 5 WITH CARDIOMYOPATHY. Identifiers: Orphanet 289377, MedGen C2673677, MONDO:0012714, OMIM 611705. Disease mechanism: loss of function.
Tibial muscular dystrophy (TMD). Also called: Tibial muscular dystrophy, tardive; Udd Distal Myopathy – Tibial Muscular Dystrophy; UDD MYOPATHY. Identifiers: Orphanet 609, MedGen C1838244, MONDO:0010870, OMIM 600334.
Myopathy, myofibrillar, 9, with early respiratory failure (MFM9). Also called: Myopathy, distal, with early respiratory failure, autosomal dominant; MYOPATHY, PROXIMAL, WITH EARLY RESPIRATORY MUSCLE INVOLVEMENT; Hereditary myopathy with early respiratory failure; EDSTROM MYOPATHY. Identifiers: Orphanet 178464, Orphanet 34521, MedGen C1863599, MONDO:0011362, OMIM 603689.
Hypertrophic cardiomyopathy 9. Also called: Familial hypertrophic cardiomyopathy 9. Identifiers: MedGen C1861065, MONDO:0013412, OMIM 613765.

Allele frequency attached by ClinVar (database versions not stated): 1000 Genomes Project below 0.00001; ExAC 0.00002; gnomAD 0.00002 and 0.00003; gnomAD exomes 0.00002; TOPMed 0.00002.
gnomAD v4.1: 36 of 1,613,288 alleles (0.0022%); highest among the groups gnomAD compares: East Asian, 0.0089%; no homozygotes.

Submissions (15):

PreventionGenetics, part of Exact Sciences
Classification: Uncertain significance for TTN-related condition. Last evaluated: 2026-08-25. Review status: criteria provided, single submitter. Criteria: ACMG Guidelines, 2015. Collection method: clinical testing. Allele origin: germline.
Comment: The TTN c.26744C>G variant is predicted to result in the amino acid substitution p.Ala8915Gly. To our knowledge, this variant has not been reported in the literature. This variant is reported in 0.010% of alleles in individuals of East Asian descent in gnomAD. At this time, the clinical significance of this variant is uncertain due to the absence of conclusive functional and genetic evidence.

Mayo Clinic Laboratories, Mayo Clinic
Classification: Uncertain significance. Last evaluated: 2025-02-26. Review status: criteria provided, single submitter. Criteria: ACMG Guidelines, 2015. Collection method: clinical testing. Allele origin: germline. Observed: 1 variant allele.
Comment: BP4

Blueprint Genetics
Classification: Likely benign. Last evaluated: 2024-11-19. Review status: criteria provided, single submitter. Criteria: ACMG Guidelines, 2015. Collection method: clinical testing. Allele origin: germline.

Revvity Omics, Revvity
Classification: Uncertain significance. Last evaluated: 2023-09-13. Review status: criteria provided, single submitter. Criteria: ACMG Guidelines, 2015. Collection method: clinical testing. Allele origin: germline.

Fulgent Genetics
Classification: Uncertain significance for Tibial muscular dystrophy; Myopathy, myofibrillar, 9, with early respiratory failure; Dilated cardiomyopathy 1G; Autosomal recessive limb-girdle muscular dystrophy type 2J; Early-onset myopathy with fatal cardiomyopathy; Hypertrophic cardiomyopathy 9. Last evaluated: 2021-07-26. Review status: criteria provided, single submitter. Criteria: ACMG Guidelines, 2015. Collection method: clinical testing. Allele origin: unknown.

ARUP Laboratories, Molecular Genetics and Genomics, ARUP Laboratories
Classification: Uncertain significance. Last evaluated: 2018-03-20. Review status: criteria provided, single submitter. Criteria: ARUP Molecular Germline Variant Investigation Process. Collection method: clinical testing. Allele origin: germline.
Comment: The TTN c.23012C>G; p.Ala7671Gly variant is rare in the general population (<1% allele frequency in the Genome Aggregation Database) and has not been reported in the medical literature in association with dilated cardiomyopathy (DCM) or other TTN-related disease. The clinical relevance of rare missense variants in this gene, which are identified on average once per individual sequenced in affected populations (Herman 2012), is not well understood. While the clinical significance of such variants is considered uncertain, evidence suggests that the vast majority of missense variants do not contribute to the clinical outcome of DCM (Begay 2015). Given the available evidence, the clinical significance of the p.Ala7671Gly variant cannot be determined with certainty.

Illumina Laboratory Services, Illumina
Classification: Uncertain significance for Early-onset myopathy with fatal cardiomyopathy. Last evaluated: 2018-01-13. Review status: criteria provided, single submitter. Criteria: ICSL Variant Classification Criteria 13 December 2019. Collection method: clinical testing. Allele origin: germline.

Illumina Laboratory Services, Illumina
Classification: Uncertain significance for Myopathy, myofibrillar, 9, with early respiratory failure. Last evaluated: 2018-01-13. Review status: criteria provided, single submitter. Criteria: ICSL Variant Classification Criteria 13 December 2019. Collection method: clinical testing. Allele origin: germline.

Illumina Laboratory Services, Illumina
Classification: Uncertain significance for Autosomal recessive limb-girdle muscular dystrophy type 2J. Last evaluated: 2018-01-13. Review status: criteria provided, single submitter. Criteria: ICSL Variant Classification Criteria 13 December 2019. Collection method: clinical testing. Allele origin: germline.

Illumina Laboratory Services, Illumina
Classification: Uncertain significance for Dilated cardiomyopathy 1G. Last evaluated: 2018-01-13. Review status: criteria provided, single submitter. Criteria: ICSL Variant Classification Criteria 13 December 2019. Collection method: clinical testing. Allele origin: germline.

Illumina Laboratory Services, Illumina
Classification: Uncertain significance for Tibial muscular dystrophy. Last evaluated: 2018-01-13. Review status: criteria provided, single submitter. Criteria: ICSL Variant Classification Criteria 13 December 2019. Collection method: clinical testing. Allele origin: germline.

Labcorp Genetics (formerly Invitae), Labcorp
Classification: Uncertain significance for Dilated cardiomyopathy 1G; Autosomal recessive limb-girdle muscular dystrophy type 2J. Last evaluated: 2018-01-02. Review status: criteria provided, single submitter. Criteria: Invitae Variant Classification Sherloc (09022015). Collection method: clinical testing. Allele origin: germline.

Athena Diagnostics
Classification: Uncertain significance. Last evaluated: 2017-09-12. Review status: criteria provided, single submitter. Criteria: Athena Diagnostics Criteria. Collection method: clinical testing. Allele origin: germline.

Laboratory for Molecular Medicine, Mass General Brigham Personalized Medicine
Classification: Uncertain significance. Last evaluated: 2015-11-11. Review status: criteria provided, single submitter. Criteria: LMM Criteria. Collection method: clinical testing. Allele origin: germline. Observed: 1 variant allele.
Comment: The p.Ala7671Gly variant in TTN has not been previously reported in patients wit h cardiomyopathy, but has been identified in 1/8440 East Asian chromosomes by th e Exome Aggregation Consortium (ExAC; dbSNP rs53 6974988). Computational prediction tools and conservation analysis suggest that this variant may not impact the protein, though this information is not predicti ve enough to rule out pathogenicity. In summary, the clinical significance of th e p.Ala7671Gly variant is uncertain.

GeneDx
Classification: Uncertain significance. Last evaluated: 2015-05-07. Review status: criteria provided, single submitter. Criteria: GeneDx Variant Classification (06012015). Collection method: clinical testing. Allele origin: germline. Affected: yes.
Comment: Missense variants in the TTN gene are considered 'unclassified' if they are not previously reported in the literature and do not have >1% frequency in the population to be considered a polymorphism. Research indicates that truncating mutations in the TTN gene are expected to account for approximately 25% of familial and 18% of sporadic idiopathic DCM; however, truncating variants in the TTN gene have been reported in approximately 3% of reported control alleles. There has been little investigation into non-truncating variants. (Herman D et al. Truncations of titin causing dilated cardiomyopathy. N Eng J Med 366:619-628, 2012) The variant is found in DCM panel(s).